The following is an entry in ClinVar:

ClinVar aggregate classification (germline): Likely benign (0 of 4 stars; one submission).

Conditions:
PRKCD-related disorder. Also called: PRKCD-related condition.

Submission:

PreventionGenetics, part of Exact Sciences
Classification: Likely benign for PRKCD-related condition. Last evaluated: 2023-07-18. Review status: no assertion criteria provided. Collection method: clinical testing. Allele origin: germline.
Comment: This variant is classified as likely benign based on ACMG/AMP sequence variant interpretation guidelines (Richards et al. 2015 PMID: 25741868, with internal and published modifications).

NM_006254.4(PRKCD):c.1614G>A (p.Leu538=)

Gene: PRKCD (protein kinase C delta; plus strand). Cytogenetic location: 3p21.1.
Variant type: single nucleotide variant.
Coding change: c.1614G>A on transcript NM_006254.4 (MANE Select); coding-DNA position 1614, G replaced by A.
Protein change: p.Leu538=; no amino-acid change (leucine 538 retained).
Molecular consequence: synonymous variant.
Genome position (GRCh38, 1-based): chr3:53,189,117, G>A. VCF-style: chr3-53189117-G-A. GRCh37 (hg19) VCF-style: chr3-53223133-G-A.
Other names: c.1614G>A, p.Leu538= (NM_001316327.2, NM_001354679.2, NM_001354680.2 and 1 more transcripts); c.1671G>A, p.Leu557= (NM_001354676.2); c.1662G>A, p.Leu554= (NM_001354678.2).
Identifiers: ClinVar variation 3061566 (VCV003061566.2), dbSNP rs782032884, ClinGen allele CA433796222.